The following is an entry in ClinVar:

ClinVar aggregate classification (germline): Uncertain significance. Review status: criteria provided, multiple submitters, no conflicts (2 of 4 stars). 3 submissions from 3 submitters: Uncertain significance (3). Last evaluated 2026-07-14.

Conditions:
Inborn genetic diseases. Identifiers: MedGen C0950123, MeSH D030342.

Allele frequency attached by ClinVar (database versions not stated): gnomAD 0.00001 and 0.00002; ExAC 0.00007; gnomAD exomes 0.00003 and 0.00008; TOPMed below 0.00001.

Submissions (3):

Ambry Genetics
Classification: Uncertain significance for Inborn genetic diseases. Last evaluated: 2026-07-14. Review status: criteria provided, single submitter. Criteria: Ambry Variant Classification Scheme 2023. Collection method: clinical testing. Allele origin: germline.
Comment: The c.584G>A (p.R195H) alteration is located in exon 2 (coding exon 1) of the PARS2 gene. This alteration results from a G to A substitution at nucleotide position 584, causing the arginine (R) at amino acid position 195 to be replaced by a histidine (H). Based on data from gnomAD, the A allele has an overall frequency of 0.007% (20/282844) total alleles studied. The highest observed frequency was 0.035% (7/19948) of East Asian alleles. Based on insufficient or conflicting evidence, the clinical significance of this alteration remains unclear.

GeneDx
Classification: Uncertain significance. Last evaluated: 2025-06-12. Review status: criteria provided, single submitter. Criteria: GeneDx Variant Classification Process June 2021. Collection method: clinical testing. Allele origin: germline. Affected: yes.
Comment: In silico analysis supports that this missense variant has a deleterious effect on protein structure/function; Has not been previously published as pathogenic or benign to our knowledge

Labcorp Genetics (formerly Invitae), Labcorp
Classification: Uncertain significance. Last evaluated: 2025-04-30. Review status: criteria provided, single submitter. Criteria: Invitae Variant Classification Sherloc (09022015). Collection method: clinical testing. Allele origin: germline.
Comment: This sequence change replaces arginine, which is basic and polar, with histidine, which is basic and polar, at codon 195 of the PARS2 protein (p.Arg195His). This variant is present in population databases (rs201109807, gnomAD 0.04%). This variant has not been reported in the literature in individuals affected with PARS2-related conditions. ClinVar contains an entry for this variant (Variation ID: 1436591). An algorithm developed to predict the effect of missense changes on protein structure and function (PolyPhen-2) suggests that this variant is likely to be tolerated. In summary, the available evidence is currently insufficient to determine the role of this variant in disease. Therefore, it has been classified as a Variant of Uncertain Significance.

NM_152268.4(PARS2):c.584G>A (p.Arg195His)

Gene: PARS2 (prolyl-tRNA synthetase 2, mitochondrial; minus strand). Cytogenetic location: 1p32.3.
Variant type: single nucleotide variant.
Coding change: c.584G>A on transcript NM_152268.4 (MANE Select); coding-DNA position 584, G replaced by A.
Protein change: p.Arg195His; replaces arginine 195 with histidine.
Molecular consequence: missense variant.
Genome position (GRCh38, 1-based): chr1:54,758,578, C>T on the plus strand (G>A on the coding strand, the complement: PARS2 is on the minus strand). VCF-style: chr1-54758578-C-T. GRCh37 (hg19) VCF-style: chr1-55224251-C-T.
Other names: c.584G>A (NM_152268.3); short protein forms R195H.
Identifiers: ClinVar variation 1436591 (VCV001436591.8), dbSNP rs201109807, ClinGen allele CA869446.